The following is an entry in ClinVar:

ClinVar aggregate classification (germline): Likely benign. Review status: criteria provided, multiple submitters, no conflicts (2 of 4 stars). 3 submissions from 3 submitters: Likely benign (3). Last evaluated 2026-07-01.

Conditions:
Combined immunodeficiency due to MALT1 deficiency. Also called: Immunodeficiency 12. Identifiers: Orphanet 397964, MedGen C3809583, MONDO:0014197, OMIM 615468.

Allele frequency attached by ClinVar (database versions not stated): ExAC 0.00015; 1000 Genomes Project 30x 0.00016; 1000 Genomes Project 0.00020; gnomAD exomes 0.00020 and 0.00036; ESP Exome Variant Server 0.00023; TOPMed 0.00026; gnomAD 0.00031.
gnomAD v4.1: 560 of 1,614,152 alleles (0.035%); highest among the groups gnomAD compares: Non-Finnish European, 0.045%; no homozygotes.

Submissions (3):

CeGaT Center for Human Genetics Tuebingen
Classification: Likely benign. Last evaluated: 2026-07-01. Review status: criteria provided, single submitter. Criteria: CeGaT Center For Human Genetics Tuebingen Variant Classification Criteria Version 2. Collection method: clinical testing. Allele origin: germline. Affected: yes. Observed: 1 variant allele.
Comment: MALT1: BP4, BP7

Labcorp Genetics (formerly Invitae), Labcorp
Classification: Likely benign for Combined immunodeficiency due to MALT1 deficiency. Last evaluated: 2026-01-21. Review status: criteria provided, single submitter. Criteria: Invitae Variant Classification Sherloc (09022015). Collection method: clinical testing. Allele origin: germline.

Blueprint Genetics
Classification: Likely benign. Last evaluated: 2024-03-25. Review status: criteria provided, single submitter. Criteria: ACMG Guidelines, 2015. Collection method: clinical testing. Allele origin: germline.

NM_006785.4(MALT1):c.2370C>T (p.Phe790=)

Gene: MALT1 (MALT1 paracaspase; plus strand). Cytogenetic location: 18q21.32.
Variant type: single nucleotide variant.
Coding change: c.2370C>T on transcript NM_006785.4 (MANE Select); coding-DNA position 2370, C replaced by T.
Protein change: p.Phe790=; no amino-acid change (phenylalanine 790 retained).
Molecular consequence: synonymous variant.
Genome position (GRCh38, 1-based): chr18:58,747,737, C>T. VCF-style: chr18-58747737-C-T. GRCh37 (hg19) VCF-style: chr18-56414969-C-T.
Other names: c.2337C>T, p.Phe779= (NM_173844.3).
Identifiers: ClinVar variation 725247 (VCV000725247.12), dbSNP rs200126163, ClinGen allele CA8978098.